The following is an entry in ClinVar:

ClinVar aggregate classification (germline): Uncertain significance (1 of 4 stars; one submission).

Conditions:
Leber congenital amaurosis 8 (LCA8). Identifiers: Orphanet 65, MedGen C3151202, MONDO:0013453, OMIM 613835.
Retinitis pigmentosa 12 (RP12). Also called: RP WITH OR WITHOUT PPRPE; RP WITH OR WITHOUT PRESERVED PARAARTERIOLE RETINAL PIGMENT EPITHELIUM; RETINITIS PIGMENTOSA WITH OR WITHOUT PARAARTERIOLAR PRESERVATION OF RETINAL PIGMENT EPITHELIUM. Identifiers: Orphanet 791, MedGen C1838647, MONDO:0010818, OMIM 600105.

Submission:

Labcorp Genetics (formerly Invitae), Labcorp
Classification: Uncertain significance for Leber congenital amaurosis 8; Retinitis pigmentosa 12. Last evaluated: 2021-08-31. Review status: criteria provided, single submitter. Criteria: Invitae Variant Classification Sherloc (09022015). Collection method: clinical testing. Allele origin: germline.
Comment: This sequence change replaces serine with phenylalanine at codon 1389 of the CRB1 protein (p.Ser1389Phe). The serine residue is moderately conserved and there is a large physicochemical difference between serine and phenylalanine. This variant is not present in population databases (ExAC no frequency). This variant has not been reported in the literature in individuals affected with CRB1-related conditions. Algorithms developed to predict the effect of missense changes on protein structure and function are either unavailable or do not agree on the potential impact of this missense change (SIFT: "Deleterious"; PolyPhen-2: "Possibly Damaging"; Align-GVGD: "Class C15"). In summary, the available evidence is currently insufficient to determine the role of this variant in disease. Therefore, it has been classified as a Variant of Uncertain Significance.

NM_201253.3(CRB1):c.4166C>T (p.Ser1389Phe)

Gene: CRB1 (crumbs cell polarity complex component 1; plus strand). Cytogenetic location: 1q31.3.
Variant type: single nucleotide variant.
Coding change: c.4166C>T on transcript NM_201253.3 (MANE Select); coding-DNA position 4166, C replaced by T.
Protein change: p.Ser1389Phe; replaces serine 1389 with phenylalanine.
Molecular consequence: missense variant. On other transcripts: non-coding transcript variant (2).
Genome position (GRCh38, 1-based): chr1:197,477,824, C>T. VCF-style: chr1-197477824-C-T. GRCh37 (hg19) VCF-style: chr1-197446954-C-T.
Other names: c.3830C>T, p.Ser1277Phe (NM_001193640.2); c.4094C>T, p.Ser1365Phe (NM_001257965.2); c.2558C>T, p.Ser853Phe (NM_001257966.2); short protein forms S1277F, S1365F, S1389F, S853F.
Identifiers: ClinVar variation 1053127 (VCV001053127.6), dbSNP rs775906215, ClinGen allele CA35895814.
Genomic context (GRCh38, chr1:197,477,824, plus strand): 5'-CCTCCAACAAAAGGGCAACTCAGGGAACCTACAGCCCCAGCCGTCAGGAGAAGGAGGGCT[C>T]CCGAGTGGAAATGTGGAACTTGATGCCACCCCCTGCAATGGAGAGACTGATTTAGGAGCA-3'
Protein context (NP_957705.1, residues 1379-1399): YSPSRQEKEG[Ser1389Phe]RVEMWNLMPP